The following is an entry in ClinVar:

ClinVar aggregate classification (germline): Likely pathogenic (1 of 4 stars; one submission).

Conditions:
Leukoencephalopathy, diffuse hereditary, with spheroids 1 (HDLS1). Also called: DEMENTIA, FAMILIAL, NEUMANN TYPE; CSF1R-related adult-onset leukoencephalopathy with axonal spheroids and pigmented glia; SUBCORTICAL GLIOSIS OF NEUMANN. Identifiers: Orphanet 313808, MedGen C5561929, MONDO:0800027, OMIM 221820.

Submission:

Centre de Génétique Humaine, Institut de Pathologie Et de Génétique
Classification: Likely pathogenic for Leukoencephalopathy, diffuse hereditary, with spheroids 1. Last evaluated: 2026-02-06. Review status: criteria provided, single submitter. Criteria: ACMG Guidelines, 2015. Collection method: clinical testing. Allele origin: paternal, germline. Inheritance: Autosomal dominant inheritance. Affected: yes. Observed: 2 heterozygotes. Clinical features observed: Dementia (HP:0000726), Memory impairment (HP:0002354).
Comment: This variant affects a highly conserve nucleotide (phyloP: 7.29) and amino acid. The difference between Ile and Asn is large (Grantham dist: 149). It affects a functionnal domain of the protein (kinase domain). It is absent from gnomAD v4.1.0. In silico tools predict a deleterious effect (CADD 24.8, REVEL 0.906, Polyphen2: probably damaging, SIFT deleterious, mutationtaster: deleterious). The variant co-segrates with a leucodystrophy phenotype in 4 members of a pedigree with Italian origins. Females (30-40 y) seems affected at a younger age than males (60 y).

NM_001288705.3(CSF1R):c.1937T>A (p.Ile646Asn)

Gene: CSF1R (colony stimulating factor 1 receptor; minus strand). Cytogenetic location: 5q32.
Variant type: single nucleotide variant.
Coding change: c.1937T>A on transcript NM_001288705.3 (MANE Select); coding-DNA position 1937, T replaced by A.
Protein change: p.Ile646Asn; replaces isoleucine 646 with asparagine.
Molecular consequence: missense variant. On other transcripts: non-coding transcript variant (2).
Genome position (GRCh38, 1-based): chr5:150,060,894, A>T on the plus strand (T>A on the coding strand, the complement: CSF1R is on the minus strand). VCF-style: chr5-150060894-A-T. GRCh37 (hg19) VCF-style: chr5-149440457-A-T.
Other names: c.1937T>A, p.Ile646Asn (NM_001349736.2, NM_001375320.1, NM_005211.4); c.1493T>A, p.Ile498Asn (NM_001375321.1); short protein forms I498N, I646N.
Identifiers: ClinVar variation 4756102 (VCV004756102.1).